The following is an entry in ClinVar:

ClinVar aggregate classification (germline): Uncertain significance (1 of 4 stars; one submission).

Submission:

Labcorp Genetics (formerly Invitae), Labcorp
Classification: Uncertain significance. Last evaluated: 2021-11-06. Review status: criteria provided, single submitter. Criteria: Invitae Variant Classification Sherloc (09022015). Collection method: clinical testing. Allele origin: germline.
Comment: In summary, the available evidence is currently insufficient to determine the role of this variant in disease. Therefore, it has been classified as a Variant of Uncertain Significance. Algorithms developed to predict the effect of missense changes on protein structure and function are either unavailable or do not agree on the potential impact of this missense change (SIFT: "Deleterious"; PolyPhen-2: "Probably Damaging"; Align-GVGD: "Class C0"). This variant has not been reported in the literature in individuals affected with DMXL2-related conditions. This variant is not present in population databases (gnomAD no frequency). This sequence change replaces histidine, which is basic and polar, with asparagine, which is neutral and polar, at codon 359 of the DMXL2 protein (p.His359Asn).

NM_001378457.1(DMXL2):c.1075C>A (p.His359Asn)

Gene: DMXL2 (Dmx like 2; minus strand). Cytogenetic location: 15q21.2.
Variant type: single nucleotide variant.
Coding change: c.1075C>A on transcript NM_001378457.1 (MANE Select); coding-DNA position 1075, C replaced by A.
Protein change: p.His359Asn; replaces histidine 359 with asparagine.
Molecular consequence: missense variant. On other transcripts: non-coding transcript variant (2).
Genome position (GRCh38, 1-based): chr15:51,542,363, G>T on the plus strand (C>A on the coding strand, the complement: DMXL2 is on the minus strand). VCF-style: chr15-51542363-G-T. GRCh37 (hg19) VCF-style: chr15-51834560-G-T.
Other names: c.1075C>A, p.His359Asn (NM_001174116.3, NM_001174117.3, NM_001378458.1 and 7 more transcripts); short protein forms H359N.
Identifiers: ClinVar variation 1391886 (VCV001391886.6), dbSNP rs2140914010, ClinGen allele CA392468474.